The following is an entry in ClinVar:

ClinVar aggregate classification (germline): Pathogenic (1 of 4 stars; one submission).

Conditions:
Osteogenesis imperfecta type 16. Also called: OI, TYPE XVI; Osteogenesis imperfecta, type xvi. Identifiers: Orphanet 666, MedGen C4015610, MONDO:0014544, OMIM 616229.

Submission:

Juno Genomics, Hangzhou Juno Genomics, Inc
Classification: Pathogenic for Osteogenesis imperfecta type 16. Review status: criteria provided, single submitter. Criteria: ACMG Guidelines, 2015. Collection method: clinical testing. Allele origin: germline. Affected: yes.
Comment: Absent from controls (or at extremely low frequency if recessive) in Genome Aggregation Database, Exome Sequencing Project, 1000 Genomes Project, or Exome Aggregation Consortium.;Null variant in a gene where loss of function (LOF) is a known mechanism of disease.;For recessive disorders, detected in trans with a pathogenic variant.

NM_052854.4(CREB3L1):c.1267C>T (p.Arg423Ter)

Gene: CREB3L1 (cAMP responsive element binding protein 3 like 1; plus strand). Cytogenetic location: 11p11.2.
Variant type: single nucleotide variant.
Coding change: c.1267C>T on transcript NM_052854.4 (MANE Select); coding-DNA position 1267, C replaced by T.
Protein change: p.Arg423Ter; replaces arginine 423 with a stop codon.
Molecular consequence: nonsense. On other transcripts: non-coding transcript variant (1).
Genome position (GRCh38, 1-based): chr11:46,320,272, C>T. VCF-style: chr11-46320272-C-T. GRCh37 (hg19) VCF-style: chr11-46341823-C-T.
Other names: c.1267C>T, p.Arg423Ter (NM_001425266.1); c.1261C>T, p.Arg421Ter (NM_001425267.1); c.1129C>T, p.Arg377Ter (NM_001425268.1); c.1003C>T, p.Arg335Ter (NM_001425269.1); short protein forms R335*, R377*, R421*, R423*.
Identifiers: ClinVar variation 4796547 (VCV004796547.1).